The following is an entry in ClinVar:

ClinVar aggregate classification (germline): Benign. Review status: criteria provided, single submitter (1 of 4 stars). 2 submissions from 2 submitters: Benign (1). 1 of the submissions does not count toward it. Last evaluated 2025-11-10.

Conditions:
ABCB7-related disorder. Also called: ABCB7-related condition.

Allele frequency attached by ClinVar (database versions not stated): ExAC 0.00001; gnomAD exomes 0.00002; gnomAD 0.00019 and 0.00024; TOPMed 0.00023.
gnomAD v4.1: 38 of 1,202,865 alleles (0.0032%); highest among the groups gnomAD compares: African/African-American, 0.049%; no homozygotes.

Submissions (2):

Labcorp Genetics (formerly Invitae), Labcorp
Classification: Benign. Last evaluated: 2025-11-10. Review status: criteria provided, single submitter. Criteria: Invitae Variant Classification Sherloc (09022015). Collection method: clinical testing. Allele origin: germline.

PreventionGenetics, part of Exact Sciences
Classification: Likely benign for ABCB7-related condition. Last evaluated: 2020-08-11. Review status: no assertion criteria provided. Collection method: clinical testing. Allele origin: germline. Not counted in ClinVar's aggregate classification.
Comment: This variant is classified as likely benign based on ACMG/AMP sequence variant interpretation guidelines (Richards et al. 2015 PMID: 25741868, with internal and published modifications).

NM_001271696.3(ABCB7):c.1086G>A (p.Thr362=)

Gene: ABCB7 (ATP binding cassette subfamily B member 7; minus strand). Cytogenetic location: Xq13.3.
Variant type: single nucleotide variant.
Coding change: c.1086G>A on transcript NM_001271696.3 (MANE Select); coding-DNA position 1086, G replaced by A.
Protein change: p.Thr362=; no amino-acid change (threonine 362 retained).
Molecular consequence: synonymous variant.
Genome position (GRCh38, 1-based): chrX:75,071,630, C>T on the plus strand (G>A on the coding strand, the complement: ABCB7 is on the minus strand). VCF-style: chrX-75071630-C-T. GRCh37 (hg19) VCF-style: chrX-74291465-C-T.
Other names: c.966G>A, p.Thr322= (NM_001271697.3); c.1008G>A, p.Thr336= (NM_001271698.3); c.969G>A, p.Thr323= (NM_001271699.3); c.1089G>A, p.Thr363= (NM_004299.6).
Identifiers: ClinVar variation 711144 (VCV000711144.8), dbSNP rs769334662, ClinGen allele CA10455438.
Genomic context (GRCh38, chrX:75,071,630, plus strand): 5'-ACTTTGACCAAAGTTCAGCATAGCCAGAGTAGAGGTACTTTTCAATGAAGCAGTCTCATA[C>T]GTCTTCAAAAATCCATCATATCTCTGTGCTTCATATCTTTCATTATTAAAATACTACAAA-3'
Protein context (NP_001258625.1, residues 352-372): EAQRYDGFLK[Thr362=]YETASLKSTS